The following is an entry in ClinVar:

NM_000489.6(ATRX):c.1657G>A (p.Glu553Lys)

Gene: ATRX (ATRX chromatin remodeler; minus strand). Cytogenetic location: Xq21.1.
Variant type: single nucleotide variant.
Coding change: c.1657G>A on transcript NM_000489.6 (MANE Select); coding-DNA position 1657, G replaced by A.
Protein change: p.Glu553Lys; replaces glutamic acid 553 with lysine.
Molecular consequence: missense variant.
Genome position (GRCh38, 1-based): chrX:77,683,599, C>T on the plus strand (G>A on the coding strand, the complement: ATRX is on the minus strand). VCF-style: chrX-77683599-C-T. GRCh37 (hg19) VCF-style: chrX-76939091-C-T.
Other names: c.1543G>A, p.Glu515Lys (NM_138270.5); short protein forms E515K, E553K.
Identifiers: ClinVar variation 3573794 (VCV003573794.1).

ClinVar aggregate classification (germline): Uncertain significance (1 of 4 stars; one submission).

gnomAD v4.1: 1 of 1,211,515 alleles (0.000083%); no homozygotes.

Submission:

GeneDx
Classification: Uncertain significance. Last evaluated: 2024-07-18. Review status: criteria provided, single submitter. Criteria: GeneDx Variant Classification Process June 2021. Collection method: clinical testing. Allele origin: germline. Affected: yes.
Comment: Not observed at significant frequency in large population cohorts (gnomAD); In silico analysis indicates that this missense variant does not alter protein structure/function; Has not been previously published as pathogenic or benign to our knowledge